The following is an entry in ClinVar:

ClinVar aggregate classification (germline): Likely pathogenic (1 of 4 stars; one submission).

Conditions:
Vanishing white matter disease. Also called: CACH syndrome; Childhood ataxia with diffuse central nervous system hypomyelination; Leukoencephalopathy with vanishing white matter; CACH/VWM syndrome; Cree leukoencehalopathy. Identifiers: Orphanet 135, Orphanet 99853, MedGen C1858991, MONDO:0800448.

Submission:

Natera, Inc.
Classification: Likely pathogenic for Leukoencephalopathy with vanishing white matter. Last evaluated: 2025-06-10. Review status: criteria provided, single submitter. Criteria: Natera Variant Classification Schema (03/2026). Collection method: clinical testing. Allele origin: germline.
Comment: The c.1546+1G>T variant in EIF2B5 is a canonical splice donor site variant predicted to affect pre-mRNA splicing, which may result in an abnormal transcript and altered protein product. This variant is expected to result in nonsense mediated decay, truncation, or a dysfunctional protein product. This variant is rare in the general population with a frequency below the threshold expected for the associated phenotype(s). Given the available evidence, this variant is classified as Likely Pathogenic.

NM_003907.3(EIF2B5):c.1546+1G>T

Gene: EIF2B5 (eukaryotic translation initiation factor 2B subunit epsilon; plus strand). Cytogenetic location: 3q27.1.
Variant type: single nucleotide variant.
Coding change: c.1546+1G>T on transcript NM_003907.3 (MANE Select); the canonical splice donor site of the intron after coding-DNA position 1546, G replaced by T.
Molecular consequence: splice donor variant.
Genome position (GRCh38, 1-based): chr3:184,142,604, G>T. VCF-style: chr3-184142604-G-T. GRCh37 (hg19) VCF-style: chr3-183860392-G-T.
Identifiers: ClinVar variation 4815283 (VCV004815283.1).
Genomic context (GRCh38, chr3:184,142,604, plus strand): 5'-TCTGGAAAGCTGCAGGCATGAACATGGAGGAAGAGGAGGAACTGCAGCAGAATCTGTGGG[G>T]TGAGCTAGGCCTGATGCCTGCCCTTCTCCTCCTGAATCGGAATATTTTGAAGGATAATGA-3'